The following is an entry in ClinVar:

NM_021930.6(RINT1):c.67A>T (p.Arg23Trp)

Gene: RINT1 (RAD50 interactor 1; plus strand). Cytogenetic location: 7q22.3.
Variant type: single nucleotide variant.
Coding change: c.67A>T on transcript NM_021930.6 (MANE Select); coding-DNA position 67, A replaced by T.
Protein change: p.Arg23Trp; replaces arginine 23 with tryptophan.
Molecular consequence: missense variant. On other transcripts: 5 prime UTR variant (4), non-coding transcript variant (1).
Genome position (GRCh38, 1-based): chr7:105,532,848, A>T. VCF-style: chr7-105532848-A-T. GRCh37 (hg19) VCF-style: chr7-105173295-A-T.
Other names: c.-31A>T (NM_001346599.2); c.-953A>T (NM_001346600.2); c.-856A>T (NM_001346601.2); c.-476A>T (NM_001346603.2); short protein forms R23W.
Identifiers: ClinVar variation 4714663 (VCV004714663.1).

ClinVar aggregate classification (germline): Uncertain significance (1 of 4 stars; one submission).

Submission:

Labcorp Genetics (formerly Invitae), Labcorp
Classification: Uncertain significance. Last evaluated: 2025-03-09. Review status: criteria provided, single submitter. Criteria: Invitae Variant Classification Sherloc (09022015). Collection method: clinical testing. Allele origin: germline.
Comment: This sequence change replaces arginine, which is basic and polar, with tryptophan, which is neutral and slightly polar, at codon 23 of the RINT1 protein (p.Arg23Trp). This variant is not present in population databases (gnomAD no frequency). This variant has not been reported in the literature in individuals affected with RINT1-related conditions. An algorithm developed to predict the effect of missense changes on protein structure and function (PolyPhen-2) suggests that this variant is likely to be tolerated. In summary, the available evidence is currently insufficient to determine the role of this variant in disease. Therefore, it has been classified as a Variant of Uncertain Significance.